The following is an entry in ClinVar:

NM_002454.3(MTRR):c.75A>G (p.Gln25=)

Gene: MTRR (5-methyltetrahydrofolate-homocysteine methyltransferase reductase; plus strand). Cytogenetic location: 5p15.31.
Variant type: single nucleotide variant.
Coding change: c.75A>G on transcript NM_002454.3 (MANE Select); coding-DNA position 75, A replaced by G.
Protein change: p.Gln25=; no amino-acid change (glutamine 25 retained).
Molecular consequence: synonymous variant. On other transcripts: non-coding transcript variant (14).
Genome position (GRCh38, 1-based): chr5:7,870,869, A>G. VCF-style: chr5-7870869-A-G. GRCh37 (hg19) VCF-style: chr5-7870982-A-G.
Other names: c.75A>G, p.Gln25= (NM_001364440.2, NM_001364441.2, NM_001364442.2 and 1 more transcripts).
Identifiers: ClinVar variation 511005 (VCV000511005.6), dbSNP rs1553999358, ClinGen allele CA443128619.

ClinVar aggregate classification (germline): Likely benign. Review status: criteria provided, multiple submitters, no conflicts (2 of 4 stars). 2 submissions from 2 submitters: Likely benign (2). Last evaluated 2024-02-19.

Conditions:
Methylcobalamin deficiency type cblE (HMAE). Also called: HOMOCYSTINURIA-MEGALOBLASTIC ANEMIA, cblE COMPLEMENTATION TYPE; HOMOCYSTINURIA-MEGALOBLASTIC ANEMIA, cblE TYPE; VITAMIN B12-RESPONSIVE HOMOCYSTINURIA, cblE TYPE. Identifiers: Orphanet 2169, Orphanet 622, MedGen C1856057, MONDO:0009354, OMIM 236270.

Allele frequency attached by ClinVar (database versions not stated): gnomAD exomes below 0.00001.
gnomAD v4.1: 1 of 1,614,196 alleles (0.000062%); highest among the groups gnomAD compares: Non-Finnish European, 0.000085%; no homozygotes.

Submissions (2):

Labcorp Genetics (formerly Invitae), Labcorp
Classification: Likely benign for Methylcobalamin deficiency type cblE. Last evaluated: 2024-02-19. Review status: criteria provided, single submitter. Criteria: Invitae Variant Classification Sherloc (09022015). Collection method: clinical testing. Allele origin: germline.

GeneDx
Classification: Likely benign. Last evaluated: 2017-08-03. Review status: criteria provided, single submitter. Criteria: GeneDx Variant Classification (06012015). Collection method: clinical testing. Allele origin: germline. Affected: yes.
Comment: This variant is considered likely benign or benign based on one or more of the following criteria: it is a conservative change, it occurs at a poorly conserved position in the protein, it is predicted to be benign by multiple in silico algorithms, and/or has population frequency not consistent with disease.